The following is an entry in ClinVar:

NM_007129.5(ZIC2):c.1097dup (p.Phe367fs)

Gene: ZIC2 (Zic family member 2; plus strand). Cytogenetic location: 13q32.3.
Variant type: Duplication.
Coding change: c.1097dup on transcript NM_007129.5 (MANE Select); coding-DNA position 1097, one base duplicated (A; older notation c.1097dupA).
Protein change: p.Phe367fs; shifts the reading frame from phenylalanine 367.
Molecular consequence: frameshift variant.
Genome position (GRCh38, 1-based): chr13:99,984,967, A duplicated. VCF-style (leftmost placement, unchanged base first): chr13-99984966-G-GA. GRCh37 (hg19) VCF-style: chr13-100637220-G-GA.
Other names: short protein forms F367fs.
Identifiers: ClinVar variation 280364 (VCV000280364.2), dbSNP rs886041583, ClinGen allele CA10603197.
Genomic context (GRCh38, chr13:99,984,966, plus strand): 5'-CTGGGTGTCTGCAGCCAGCGCCGATGTTTGCCGTCCACAGGGGAGAAGCCGTTCCAGTGT[G>GA]AGTTTGAGGGCTGCGACCGGCGCTTCGCCAACAGCAGCGACAGGAAGAAGCACATGCACG-3'

ClinVar aggregate classification (germline): Pathogenic (1 of 4 stars; one submission).

Submission:

GeneDx
Classification: Pathogenic. Last evaluated: 2018-07-24. Review status: criteria provided, single submitter. Criteria: GeneDx Variant Classification (06012015). Collection method: clinical testing. Allele origin: germline. Affected: yes.
Comment: The c.1097dupA pathogenic variant in the ZIC2 gene causes a frameshift starting with codon Phenylalanine 367, changes this amino acid to a Valine residue and creates a premature Stop codon at position 2 of the new reading frame, denoted p.Phe367ValfsX2. This pathogenic variant is predicted to cause loss of normal protein function either through protein truncation or nonsense-mediated mRNA decay.